The following is an entry in ClinVar:

ClinVar aggregate classification (germline): Uncertain significance. Review status: criteria provided, multiple submitters, no conflicts (2 of 4 stars). 2 submissions from 2 submitters: Uncertain significance (2). Last evaluated 2025-09-30.

Conditions:
C3 glomerulonephritis. Also called: C3 GLOMERULOPATHY 3; Nephropathy due to CFHR5 Deficiency. Identifiers: Orphanet 329931, MedGen C4055342, MONDO:0013892, OMIM 614809.

Submissions (2):

Genomenon, Inc
Classification: Uncertain significance for C3 glomerulonephritis. Last evaluated: 2025-09-30. Review status: criteria provided, single submitter. Criteria: Genomenon Sequence Variant Interpretation Standards. Collection method: curation. Allele origin: germline. Affected: yes.
Comment: C3 p.Asp797Val (c.2390A>T) is a missense variant that changes the amino acid at residue 797 from Aspartic acid to Valine. This variant has been observed in at least one proband affected with C3 glomerulonephritis (PMID:30077216). It is absent or not present at a significant frequency in gnomAD. In silico models agree that this variant is possibly or probably damaging. In conclusion, we classify C3 p.Asp797Val (c.2390A>T) as a variant of unknown significance.

Labcorp Genetics (formerly Invitae), Labcorp
Classification: Uncertain significance. Last evaluated: 2022-10-17. Review status: criteria provided, single submitter. Criteria: Invitae Variant Classification Sherloc (09022015). Collection method: clinical testing. Allele origin: germline.
Comment: Advanced modeling of protein sequence and biophysical properties (such as structural, functional, and spatial information, amino acid conservation, physicochemical variation, residue mobility, and thermodynamic stability) performed at Invitae indicates that this missense variant is expected to disrupt C3 protein function. In summary, the available evidence is currently insufficient to determine the role of this variant in disease. Therefore, it has been classified as a Variant of Uncertain Significance. This variant has not been reported in the literature in individuals affected with C3-related conditions. This sequence change replaces aspartic acid, which is acidic and polar, with valine, which is neutral and non-polar, at codon 797 of the C3 protein (p.Asp797Val). This variant is not present in population databases (gnomAD no frequency).

Literature cited by the submitters: PubMed 30077216 (cited by Genomenon, Inc).

NM_000064.4(C3):c.2390A>T (p.Asp797Val)

Gene: C3 (complement C3; minus strand). Cytogenetic location: 19p13.3.
Variant type: single nucleotide variant.
Coding change: c.2390A>T on transcript NM_000064.4 (MANE Select); coding-DNA position 2390, A replaced by T.
Protein change: p.Asp797Val; replaces aspartic acid 797 with valine.
Molecular consequence: missense variant.
Genome position (GRCh38, 1-based): chr19:6,702,177, T>A on the plus strand (A>T on the coding strand, the complement: C3 is on the minus strand). VCF-style: chr19-6702177-T-A. GRCh37 (hg19) VCF-style: chr19-6702188-T-A.
Other names: short protein forms D797V.
Identifiers: ClinVar variation 1721768 (VCV001721768.6), dbSNP rs1967690681, ClinGen allele CA403635016.